The following is an entry in ClinVar:

ClinVar aggregate classification (germline): Uncertain significance (1 of 4 stars; one submission).

Submission:

GeneDx
Classification: Uncertain significance. Last evaluated: 2024-07-18. Review status: criteria provided, single submitter. Criteria: GeneDx Variant Classification Process June 2021. Collection method: clinical testing. Allele origin: germline. Affected: yes.
Comment: Not observed at significant frequency in large population cohorts (gnomAD); In silico analysis supports that this missense variant has a deleterious effect on protein structure/function; Has not been previously published as pathogenic or benign to our knowledge

NM_014991.6(WDFY3):c.9374G>A (p.Gly3125Asp)

Gene: WDFY3 (WD repeat and FYVE domain containing 3; minus strand). Cytogenetic location: 4q21.23.
Variant type: single nucleotide variant.
Coding change: c.9374G>A on transcript NM_014991.6 (MANE Select); coding-DNA position 9374, G replaced by A.
Protein change: p.Gly3125Asp; replaces glycine 3125 with aspartic acid.
Molecular consequence: missense variant.
Genome position (GRCh38, 1-based): chr4:84,688,255, C>T on the plus strand (G>A on the coding strand, the complement: WDFY3 is on the minus strand). VCF-style: chr4-84688255-C-T. GRCh37 (hg19) VCF-style: chr4-85609408-C-T.
Other names: short protein forms G3125D.
Identifiers: ClinVar variation 3573905 (VCV003573905.1).